The following is an entry in ClinVar:

NM_203447.4(DOCK8):c.3422A>G (p.Gln1141Arg)

Gene: DOCK8 (dedicator of cytokinesis 8; plus strand). Cytogenetic location: 9p24.3.
Variant type: single nucleotide variant.
Coding change: c.3422A>G on transcript NM_203447.4 (MANE Select); coding-DNA position 3422, A replaced by G.
Protein change: p.Gln1141Arg; replaces glutamine 1141 with arginine.
Molecular consequence: missense variant.
Genome position (GRCh38, 1-based): chr9:406,961, A>G. VCF-style: chr9-406961-A-G. GRCh37 (hg19) VCF-style: chr9-406961-A-G.
Other names: c.3122A>G, p.Gln1041Arg (NM_001190458.2); c.3218A>G, p.Gln1073Arg (NM_001193536.2); short protein forms Q1073R, Q1041R, Q1141R.
Identifiers: ClinVar variation 2781740 (VCV002781740.3), dbSNP rs2055454058, ClinGen allele CA372758370.

ClinVar aggregate classification (germline): Uncertain significance (1 of 4 stars; one submission).

Conditions:
Combined immunodeficiency due to DOCK8 deficiency (HIES2). Also called: HIES autosomal recessive; DOCK8 Deficiency; HYPER-IgE SYNDROME 2, AUTOSOMAL RECESSIVE, WITH RECURRENT INFECTIONS; Hyper-IgE recurrent infection syndrome, autosomal recessive; HYPER-IgE RECURRENT INFECTION SYNDROME 2, AUTOSOMAL RECESSIVE. Identifiers: Orphanet 217390, MedGen C4722305, MONDO:0009478, OMIM 243700.

Allele frequency attached by ClinVar (database versions not stated): TOPMed below 0.00001.

Submission:

Labcorp Genetics (formerly Invitae), Labcorp
Classification: Uncertain significance for Combined immunodeficiency due to DOCK8 deficiency. Last evaluated: 2023-06-15. Review status: criteria provided, single submitter. Criteria: Invitae Variant Classification Sherloc (09022015). Collection method: clinical testing. Allele origin: germline.
Comment: In summary, the available evidence is currently insufficient to determine the role of this variant in disease. Therefore, it has been classified as a Variant of Uncertain Significance. Advanced modeling of protein sequence and biophysical properties (such as structural, functional, and spatial information, amino acid conservation, physicochemical variation, residue mobility, and thermodynamic stability) performed at Invitae indicates that this missense variant is not expected to disrupt DOCK8 protein function. This variant has not been reported in the literature in individuals affected with DOCK8-related conditions. This variant is not present in population databases (gnomAD no frequency). This sequence change replaces glutamine, which is neutral and polar, with arginine, which is basic and polar, at codon 1141 of the DOCK8 protein (p.Gln1141Arg).